The following is an entry in ClinVar:

ClinVar aggregate classification (germline): Uncertain significance (1 of 4 stars; one submission).

Allele frequency attached by ClinVar (database versions not stated): gnomAD exomes below 0.00001 and 0.00001; ExAC 0.00001; TOPMed 0.00001.
gnomAD v4.1: 11 of 1,614,092 alleles (0.00068%); highest among the groups gnomAD compares: Middle Eastern, 0.033%; no homozygotes.

Submission:

Labcorp Genetics (formerly Invitae), Labcorp
Classification: Uncertain significance. Last evaluated: 2023-08-10. Review status: criteria provided, single submitter. Criteria: Invitae Variant Classification Sherloc (09022015). Collection method: clinical testing. Allele origin: germline.
Comment: In summary, the available evidence is currently insufficient to determine the role of this variant in disease. Therefore, it has been classified as a Variant of Uncertain Significance. Algorithms developed to predict the effect of sequence changes on RNA splicing suggest that this variant may create or strengthen a splice site. ClinVar contains an entry for this variant (Variation ID: 1516054). This variant has not been reported in the literature in individuals affected with FOXRED1-related conditions. This variant is present in population databases (rs767794725, gnomAD 0.003%). This sequence change affects codon 9 of the FOXRED1 mRNA. It is a 'silent' change, meaning that it does not change the encoded amino acid sequence of the FOXRED1 protein.

NM_017547.4(FOXRED1):c.27C>T (p.Gly9=)

Genes: FOXRED1 (FAD dependent oxidoreductase domain containing 1; plus strand), LOC130007026 (ATAC-STARR-seq lymphoblastoid active region 5705; plus strand). Cytogenetic location: 11q24.2.
Variant type: single nucleotide variant.
Coding change: c.27C>T on transcript NM_017547.4 (MANE Select); coding-DNA position 27, C replaced by T.
Protein change: p.Gly9=; no amino-acid change (glycine 9 retained).
Molecular consequence: synonymous variant. On other transcripts: non-coding transcript variant (2).
Genome position (GRCh38, 1-based): chr11:126,269,233, C>T. VCF-style: chr11-126269233-C-T. GRCh37 (hg19) VCF-style: chr11-126139128-C-T.
Identifiers: ClinVar variation 1516054 (VCV001516054.8), dbSNP rs767794725, ClinGen allele CA6353922.